The following is an entry in ClinVar:

ClinVar aggregate classification (germline): Conflicting classifications of pathogenicity. Review status: criteria provided, conflicting classifications (1 of 4 stars). 4 submissions from 4 submitters: Likely pathogenic (1); Uncertain significance (2). 1 of the submissions does not count toward it. Last evaluated 2026-08-06.

Conditions:
Congenital disorder of deglycosylation 2 (CDDG2). Identifiers: MedGen C5676931, MONDO:0030770, OMIM 619775.

Allele frequency attached by ClinVar (database versions not stated): 1000 Genomes Project 30x 0.00016; 1000 Genomes Project 0.00020; ESP Exome Variant Server 0.00039; TOPMed 0.00040; ExAC 0.00042; gnomAD 0.00043 and 0.00044; gnomAD exomes 0.00053.
gnomAD v4.1: 588 of 1,609,454 alleles (0.037%); highest among the groups gnomAD compares: Middle Eastern, 0.1%; no homozygotes.

Submissions (4):

OLLIN Analises Genomicas, OLLIN
Classification: Uncertain significance for Congenital disorder of deglycosylation 2. Last evaluated: 2026-08-06. Review status: criteria provided, single submitter. Criteria: ACMG Guidelines 2015 PMID 25741868. Collection method: clinical testing. Allele origin: germline.
Comment: This missense variant, located in exon 6 (of 26), has been reported in ClinVar (accession VCV001342930.3), in gnomAD with an allele frequency of 0.037%, and in the scientific literature, in compound heterozygosity, in individuals with MAN2C1 related disorders (PMID: 35045343). In silico analysis is inconclusive regarding the impact of this variant; however, functional studies suggest that it affects protein function (PMID: 35045343). According to the currently available evidence, this variant has been classified as uncertain significance (PS3_P, PM2_P, PM3_P, BP4).

Dasa
Classification: Uncertain significance for Congenital disorder of deglycosylation 2. Last evaluated: 2026-04-04. Review status: criteria provided, single submitter. Criteria: DASA Assertion Criteria. Collection method: clinical testing. Allele origin: germline.
Comment: NM_006715.4(MAN2C1):c.607G>A (p.Gly203Arg) is a missense variant that results in the substitution of glycine with arginine. This variant has been reported in individuals with MAN2C1-related disorders (PMID: 35045343). Functional evidence supports an impact on the gene or gene product (PMID: 35045343). Also, this variant is rare in population databases. The currently available literature and clinical evidence are not sufficient to establish a definitive association between this variant and the reported condition. Therefore, this variant is classified as a variant of uncertain significance.

3billion
Classification: Likely pathogenic for Congenital disorder of deglycosylation 2. Last evaluated: 2023-02-23. Review status: criteria provided, single submitter. Criteria: ACMG Guidelines, 2015. Collection method: clinical testing. Allele origin: unknown. Affected: yes.
Comment: The variant is observed at an extremely low frequency in the gnomAD v2.1.1 dataset (total allele frequency: 0.049%). Missense changes are a common disease-causing mechanism. Functional studies provide moderate evidence of the variant having a damaging effect on the gene or gene product (PMID: 35045343). Same nucleotide change resulting in same amino acid change has been previously reported to be associated with MAN2C1 related disorder (ClinVar ID: VCV001342930 / PMID: 35045343). The variant has been reported to be in trans with a pathogenic variant as either compound heterozygous or homozygous in at least one similarly affected unrelated individual (PMID: 35045343). Therefore, this variant is classified as Likely pathogenic according to the recommendation of ACMG/AMP guideline.

OMIM
Classification: Pathogenic for CONGENITAL DISORDER OF DEGLYCOSYLATION 2. Last evaluated: 2022-03-09. Review status: no assertion criteria provided. Collection method: literature only. Allele origin: germline. Not counted in ClinVar's aggregate classification.

Literature cited by the submitters: PubMed 35045343 (cited by 4 submitters).

NM_006715.4(MAN2C1):c.607G>A (p.Gly203Arg)

Gene: MAN2C1 (mannosidase alpha class 2C member 1; minus strand). Cytogenetic location: 15q24.2.
Variant type: single nucleotide variant.
Coding change: c.607G>A on transcript NM_006715.4 (MANE Select); coding-DNA position 607, G replaced by A.
Protein change: p.Gly203Arg; replaces glycine 203 with arginine.
Molecular consequence: missense variant. On other transcripts: intron variant (1).
Genome position (GRCh38, 1-based): chr15:75,364,182, C>T on the plus strand (G>A on the coding strand, the complement: MAN2C1 is on the minus strand). VCF-style: chr15-75364182-C-T. GRCh37 (hg19) VCF-style: chr15-75656523-C-T.
Other names: c.607G>A, p.Gly203Arg (NM_001256494.2, NM_001256495.2); c.600+306G>A (NM_001256496.2); short protein forms G203R.
Identifiers: ClinVar variation 1342930 (VCV001342930.5), dbSNP rs190692217, ClinGen allele CA7666919.
Genomic context (GRCh38, chr15:75,364,182, plus strand): 5'-ACACGTTCACCATCTGATTGGCTGTGTACAGGGCCTGGAAGCTGCGCTGGTTGTCCTTCC[C>T]GAGGCCCTGCAGCAGGGTTCTGCCCCTTAATCCCTTTTTCAAGCACAGCTTCCAGACCTA-3'
Protein context (NP_006706.2, residues 193-213): ELLLGIAKGL[Gly203Arg]KDNQRSFQAL